The following is an entry in ClinVar:

NM_014991.6(WDFY3):c.2484C>T (p.Ala828=)

Genes: WDFY3 (WD repeat and FYVE domain containing 3; minus strand), WDFY3-AS1 (WDFY3 antisense RNA 1; plus strand). Cytogenetic location: 4q21.23.
Variant type: single nucleotide variant.
Coding change: c.2484C>T on transcript NM_014991.6 (MANE Select); coding-DNA position 2484, C replaced by T.
Protein change: p.Ala828=; no amino-acid change (alanine 828 retained).
Molecular consequence: synonymous variant.
Genome position (GRCh38, 1-based): chr4:84,803,413, G>A on the plus strand (C>T on the coding strand, the complement: WDFY3 is on the minus strand). VCF-style: chr4-84803413-G-A. GRCh37 (hg19) VCF-style: chr4-85724566-G-A.
Identifiers: ClinVar variation 2654877 (VCV002654877.24), dbSNP rs371258688, ClinGen allele CA2993728.

ClinVar aggregate classification (germline): Likely benign (1 of 4 stars; one submission).

Allele frequency attached by ClinVar (database versions not stated): gnomAD 0.00005; TOPMed 0.00007; ESP Exome Variant Server 0.00008; gnomAD exomes 0.00013; ExAC 0.00021.
gnomAD v4.1: 195 of 1,613,822 alleles (0.012%); highest among the groups gnomAD compares: Middle Eastern, 0.016%; no homozygotes.

Submission:

CeGaT Center for Human Genetics Tuebingen
Classification: Likely benign. Last evaluated: 2024-09-01. Review status: criteria provided, single submitter. Criteria: CeGaT Center For Human Genetics Tuebingen Variant Classification Criteria Version 2. Collection method: clinical testing. Allele origin: germline. Affected: yes. Observed: 2 variant alleles.
Comment: WDFY3: BP4, BP7